The following is an entry in ClinVar:

ClinVar aggregate classification (germline): Benign. Review status: criteria provided, multiple submitters, no conflicts (2 of 4 stars). 2 submissions from 2 submitters: Benign (2). Last evaluated 2025-07-17.

Allele frequency attached by ClinVar (database versions not stated): gnomAD 0.00275 and 0.00287; 1000 Genomes Project 30x 0.00375; gnomAD exomes 0.00220 and 0.00413; ExAC 0.00368; TOPMed 0.00085; 1000 Genomes Project 0.00399; ESP Exome Variant Server 0.00008.
gnomAD v4.1: 3,610 of 1,614,060 alleles (0.22%); highest among the groups gnomAD compares: East Asian, 3.2%; 70 homozygotes.

Submissions (2):

Mayo Clinic Laboratories, Mayo Clinic
Classification: Benign. Last evaluated: 2025-07-17. Review status: criteria provided, single submitter. Criteria: ACMG Guidelines, 2015. Collection method: clinical testing. Allele origin: germline. Observed: 1 variant allele.
Comment: BS1, BS2, BP4

Labcorp Genetics (formerly Invitae), Labcorp
Classification: Benign. Last evaluated: 2019-12-31. Review status: criteria provided, single submitter. Criteria: Invitae Variant Classification Sherloc (09022015). Collection method: clinical testing. Allele origin: germline.

NM_007098.4(CLTCL1):c.4041+5C>T

Gene: CLTCL1 (clathrin heavy chain like 1; minus strand). Cytogenetic location: 22q11.21.
Variant type: single nucleotide variant.
Coding change: c.4041+5C>T on transcript NM_007098.4 (MANE Select); 5 bases into the intron after coding-DNA position 4041, C replaced by T.
Molecular consequence: intron variant.
Genome position (GRCh38, 1-based): chr22:19,196,484, G>A on the plus strand (C>T on the coding strand, the complement: CLTCL1 is on the minus strand). VCF-style: chr22-19196484-G-A. GRCh37 (hg19) VCF-style: chr22-19183995-G-A.
Other names: c.4041+5C>T (NM_001835.4).
Identifiers: ClinVar variation 733009 (VCV000733009.5), dbSNP rs2066732, ClinGen allele CA10097890.
Genomic context (GRCh38, chr22:19,196,484, plus strand): 5'-GGAGGTCAGGGTCGGCTTGTGCTGCACGTGGCCACGGCTGCCAGACTGCAAGGAGTACAC[G>A]GTACCTTTGGGATGTTGACACGGGACCAGAAAAGCTCCAGATGCTCCAGCATCTTCTGTG-3'